The following is an entry in ClinVar:

ClinVar aggregate classification (germline): Uncertain significance (1 of 4 stars; one submission).

Submission:

Ambry Genetics
Classification: Uncertain significance. Last evaluated: 2023-07-05. Review status: criteria provided, single submitter. Criteria: Ambry Variant Classification Scheme 2023. Collection method: clinical testing. Allele origin: germline.
Comment: The p.A353G variant (also known as c.1058C>G), located in coding exon 7 of the IDH1 gene, results from a C to G substitution at nucleotide position 1058. The alanine at codon 353 is replaced by glycine, an amino acid with similar properties. This amino acid position is conserved. In addition, this alteration is predicted to be tolerated by in silico analysis. Since supporting evidence is limited at this time, the clinical significance of this alteration remains unclear.

NM_005896.4(IDH1):c.1058C>G (p.Ala353Gly)

Gene: IDH1 (isocitrate dehydrogenase (NADP(+)) 1; minus strand). Cytogenetic location: 2q34.
Variant type: single nucleotide variant.
Coding change: c.1058C>G on transcript NM_005896.4 (MANE Select); coding-DNA position 1058, C replaced by G.
Protein change: p.Ala353Gly; replaces alanine 353 with glycine.
Molecular consequence: missense variant.
Genome position (GRCh38, 1-based): chr2:208,239,167, G>C on the plus strand (C>G on the coding strand, the complement: IDH1 is on the minus strand). VCF-style: chr2-208239167-G-C. GRCh37 (hg19) VCF-style: chr2-209103891-G-C.
Other names: c.1058C>G, p.Ala353Gly (NM_001282386.1, NM_001282387.1); short protein forms A353G.
Identifiers: ClinVar variation 1779163 (VCV001779163.3), dbSNP rs762126667, ClinGen allele CA2078826.